The following is an entry in ClinVar:

NM_000158.4(GBE1):c.2074G>A (p.Ala692Thr)

Gene: GBE1 (1,4-alpha-glucan branching enzyme 1; minus strand). Cytogenetic location: 3p12.2.
Variant type: single nucleotide variant.
Coding change: c.2074G>A on transcript NM_000158.4 (MANE Select); coding-DNA position 2074, G replaced by A.
Protein change: p.Ala692Thr; replaces alanine 692 with threonine.
Molecular consequence: missense variant.
Genome position (GRCh38, 1-based): chr3:81,490,442, C>T on the plus strand (G>A on the coding strand, the complement: GBE1 is on the minus strand). VCF-style: chr3-81490442-C-T. GRCh37 (hg19) VCF-style: chr3-81539593-C-T.
Other names: p.Ala692Thr; short protein forms A692T.
Identifiers: ClinVar variation 558870 (VCV000558870.21), dbSNP rs192877602, ClinGen allele CA2499460.

ClinVar aggregate classification (germline): Conflicting classifications of pathogenicity. Review status: criteria provided, conflicting classifications (1 of 4 stars). 6 submissions from 6 submitters: Uncertain significance (3); Likely benign (1). 2 of the submissions do not count toward it. Last evaluated 2026-01-17.

Conditions:
GBE1-related disorder. Also called: GBE1-related condition; GBE1-related disorders. Identifiers: MedGen CN239402.
Glycogen storage disease, type IV (GSD4). Also called: Glycogen storage disease due to glycogen branching enzyme deficiency; AMYLOPECTINOSIS; ANDERSEN DISEASE; BRANCHER DEFICIENCY; CIRRHOSIS, FAMILIAL, WITH DEPOSITION OF ABNORMAL GLYCOGEN; GBE1 DEFICIENCY. Identifiers: Orphanet 367, MedGen C0017923, MONDO:0009292, OMIM 232500.
Glycogen storage disease IV, classic hepatic. Also called: GSD IV, CLASSIC HEPATIC. Identifiers: MedGen C1856301.

Allele frequency attached by ClinVar (database versions not stated): gnomAD exomes 0.00008 and 0.00025; ExAC 0.00035; 1000 Genomes Project 0.00060; 1000 Genomes Project 30x 0.00062; ESP Exome Variant Server 0.00099; gnomAD 0.00104 and 0.00116; TOPMed 0.00123.
gnomAD v4.1: 291 of 1,612,962 alleles (0.018%); highest among the groups gnomAD compares: African/African-American, 0.33%; 1 homozygote.

Submissions (6):

Labcorp Genetics (formerly Invitae), Labcorp
Classification: Likely benign for Glycogen storage disease, type IV; Glycogen storage disease IV, classic hepatic. Last evaluated: 2026-01-17. Review status: criteria provided, single submitter. Criteria: Invitae Variant Classification Sherloc (09022015). Collection method: clinical testing. Allele origin: germline.

Mayo Clinic Laboratories, Mayo Clinic
Classification: Uncertain significance. Last evaluated: 2025-03-05. Review status: criteria provided, single submitter. Criteria: ACMG Guidelines, 2015. Collection method: clinical testing. Allele origin: germline. Observed: 1 variant allele.
Comment: BS1

Blueprint Genetics
Classification: Uncertain significance. Last evaluated: 2022-07-22. Review status: criteria provided, single submitter. Criteria: ACMG Guidelines, 2015. Collection method: clinical testing. Allele origin: germline.

Laboratorio de Genetica e Diagnostico Molecular, Hospital Israelita Albert Einstein
Classification: Uncertain significance. Last evaluated: 2020-04-05. Review status: criteria provided, single submitter. Criteria: ACMG Guidelines, 2015. Collection method: clinical testing. Allele origin: germline. Affected: yes.

PreventionGenetics, part of Exact Sciences
Classification: Likely benign for GBE1-related condition. Last evaluated: 2020-12-15. Review status: no assertion criteria provided. Collection method: clinical testing. Allele origin: germline. Not counted in ClinVar's aggregate classification.
Comment: This variant is classified as likely benign based on ACMG/AMP sequence variant interpretation guidelines (Richards et al. 2015 PMID: 25741868, with internal and published modifications).

Natera, Inc.
Classification: Uncertain significance for Glycogen storage disease type IV. Last evaluated: 2020-01-24. Review status: no assertion criteria provided. Collection method: clinical testing. Allele origin: germline. Not counted in ClinVar's aggregate classification.